The following is an entry in ClinVar:

ClinVar aggregate classification (germline): Uncertain significance. Review status: criteria provided, multiple submitters, no conflicts (2 of 4 stars). 2 submissions from 2 submitters: Uncertain significance (2). Last evaluated 2023-05-31.

Conditions:
Inborn genetic diseases. Identifiers: MedGen C0950123, MeSH D030342.

Allele frequency attached by ClinVar (database versions not stated): gnomAD 0.00001; gnomAD exomes 0.00001.
gnomAD v4.1: 5 of 1,613,910 alleles (0.00031%); highest among the groups gnomAD compares: Non-Finnish European, 0.000085%; no homozygotes.

Submissions (2):

Blueprint Genetics
Classification: Uncertain significance. Last evaluated: 2023-05-31. Review status: criteria provided, single submitter. Criteria: ACMG Guidelines, 2015. Collection method: clinical testing. Allele origin: germline.

Ambry Genetics
Classification: Uncertain significance for Inborn genetic diseases. Last evaluated: 2023-03-20. Review status: criteria provided, single submitter. Criteria: Ambry Variant Classification Scheme 2023. Collection method: clinical testing. Allele origin: germline.
Comment: The p.A433V variant (also known as c.1298C>T), located in coding exon 10 of the SLC17A5 gene, results from a C to T substitution at nucleotide position 1298. The alanine at codon 433 is replaced by valine, an amino acid with similar properties. This amino acid position is conserved. In addition, the in silico prediction for this alteration is inconclusive. Since supporting evidence is limited at this time, the clinical significance of this alteration remains unclear.

NM_012434.5(SLC17A5):c.1298C>T (p.Ala433Val)

Gene: SLC17A5 (solute carrier family 17 member 5; minus strand). Cytogenetic location: 6q13.
Variant type: single nucleotide variant.
Coding change: c.1298C>T on transcript NM_012434.5 (MANE Select); coding-DNA position 1298, C replaced by T.
Protein change: p.Ala433Val; replaces alanine 433 with valine.
Molecular consequence: missense variant. On other transcripts: intron variant (1).
Genome position (GRCh38, 1-based): chr6:73,600,403, G>A on the plus strand (C>T on the coding strand, the complement: SLC17A5 is on the minus strand). VCF-style: chr6-73600403-G-A. GRCh37 (hg19) VCF-style: chr6-74310126-G-A.
Other names: c.1067C>T, p.Ala356Val (NM_001382629.1); c.1319C>T, p.Ala440Val (NM_001382631.1); c.1211C>T, p.Ala404Val (NM_001382632.1); c.1298C>T, p.Ala433Val (NM_001382633.1); c.1139C>T, p.Ala380Val (NM_001382634.1); c.1295C>T, p.Ala432Val (NM_001382635.1); c.980C>T, p.Ala327Val (NM_001382636.1); c.1260-5189C>T (NM_001382630.1); short protein forms A327V, A433V, A380V, A404V, A432V, A356V, A440V.
Identifiers: ClinVar variation 2563375 (VCV002563375.3), dbSNP rs1195719184, ClinGen allele CA364720026.
Genomic context (GRCh38, chr6:73,600,403, plus strand): 5'-CTACTTACATCAGGGGTCAGACTTTTAGCAATGACGGGCCCAACCATTCCTGGAATAGTG[G>A]CAAATGTATTTGTGATGCCCAGGAGGATACCAGCATACCTGTAGAAACATTTTCATAGAC-3'
Protein context (NP_036566.1, residues 423-443): GILLGITNTF[Ala433Val]TIPGMVGPVI